The following is an entry in ClinVar:

ClinVar aggregate classification (germline): Uncertain significance (1 of 4 stars; one submission).

gnomAD v4.1: 44 of 1,614,046 alleles (0.0027%); highest among the groups gnomAD compares: Middle Eastern, 0.016%; no homozygotes.

Submission:

CeGaT Center for Human Genetics Tuebingen
Classification: Uncertain significance. Last evaluated: 2026-03-01. Review status: criteria provided, single submitter. Criteria: CeGaT Center For Human Genetics Tuebingen Variant Classification Criteria Version 2. Collection method: clinical testing. Allele origin: germline. Affected: yes. Observed: 1 variant allele.
Comment: TP53BP1: PM2

NM_001141980.3(TP53BP1):c.5882G>A (p.Arg1961Lys)

Genes: TUBGCP4 (tubulin gamma complex component 4; plus strand), TP53BP1 (tumor protein p53 binding protein 1; minus strand). Cytogenetic location: 15q15.3.
Variant type: single nucleotide variant.
Coding change: c.5882G>A on transcript NM_001141980.3 (MANE Select); coding-DNA position 5882, G replaced by A.
Protein change: p.Arg1961Lys; replaces arginine 1961 with lysine.
Molecular consequence: missense variant. On other transcripts: 3 prime UTR variant (2).
Genome position (GRCh38, 1-based): chr15:43,407,435, C>T on the plus strand (G>A on the coding strand, the complement: TP53BP1 is on the minus strand). VCF-style: chr15-43407435-C-T. GRCh37 (hg19) VCF-style: chr15-43699633-C-T.
Other names: c.*2221C>T (NM_001286414.3, NM_014444.5); c.5876G>A, p.Arg1959Lys (NM_001141979.3); c.3002G>A, p.Arg1001Lys (NM_001355001.2); c.5732G>A, p.Arg1911Lys (NM_001411050.1); c.5867G>A, p.Arg1956Lys (NM_005657.4); short protein forms R1001K, R1911K, R1956K, R1959K, R1961K.
Identifiers: ClinVar variation 4821375 (VCV004821375.4).